The following is an entry in ClinVar:

ClinVar aggregate classification (germline): Likely benign (1 of 4 stars; one submission).

Submission:

CeGaT Center for Human Genetics Tuebingen
Classification: Likely benign. Last evaluated: 2025-11-01. Review status: criteria provided, single submitter. Criteria: CeGaT Center For Human Genetics Tuebingen Variant Classification Criteria Version 2. Collection method: clinical testing. Allele origin: germline. Affected: yes. Observed: 1 variant allele.
Comment: DNAJC30: BP4, BP7

NM_032317.3(DNAJC30):c.444C>T (p.His148=)

Gene: DNAJC30 (DnaJ heat shock protein family (Hsp40) member C30; minus strand). Cytogenetic location: 7q11.23.
Variant type: single nucleotide variant.
Coding change: c.444C>T on transcript NM_032317.3 (MANE Select); coding-DNA position 444, C replaced by T.
Protein change: p.His148=; no amino-acid change (histidine 148 retained).
Molecular consequence: synonymous variant.
Genome position (GRCh38, 1-based): chr7:73,682,980, G>A on the plus strand (C>T on the coding strand, the complement: DNAJC30 is on the minus strand). VCF-style: chr7-73682980-G-A. GRCh37 (hg19) VCF-style: chr7-73097310-G-A.
Identifiers: ClinVar variation 4533972 (VCV004533972.6).